The following is an entry in ClinVar:

NM_001283009.2(RTEL1):c.1266+2T>G

Genes: RTEL1 (regulator of telomere elongation helicase 1; plus strand), RTEL1-TNFRSF6B (RTEL1-TNFRSF6B readthrough (NMD candidate); plus strand). Cytogenetic location: 20q13.33.
Variant type: single nucleotide variant.
Coding change: c.1266+2T>G on transcript NM_001283009.2 (MANE Select); the canonical splice donor site of the intron after coding-DNA position 1266, T replaced by G.
Molecular consequence: splice donor variant.
Genome position (GRCh38, 1-based): chr20:63,685,599, T>G. VCF-style: chr20-63685599-T-G. GRCh37 (hg19) VCF-style: chr20-62316952-T-G.
Other names: c.597+2T>G (NM_001283010.1); c.1338+2T>G (NM_032957.5); c.1266+2T>G (NM_016434.4).
Identifiers: ClinVar variation 1066945 (VCV001066945.7), dbSNP rs1444392809, ClinGen allele CA409675859.

ClinVar aggregate classification (germline): Likely pathogenic (1 of 4 stars; one submission).

Conditions:
Dyskeratosis congenita, autosomal recessive 5 (DKCB5). Identifiers: MedGen C3554656, MONDO:0014076, OMIM 615190.
Pulmonary fibrosis and/or bone marrow failure, Telomere-related, 3. Also called: PULMONARY FIBROSIS AND/OR BONE MARROW FAILURE SYNDROME, TELOMERE-RELATED, 3. Identifiers: Orphanet 2032, MedGen C4225346, MONDO:0014613, OMIM 616373.

Allele frequency attached by ClinVar (database versions not stated): gnomAD exomes below 0.00001 and 0.00001.
gnomAD v4.1: 2 of 1,610,228 alleles (0.00012%); highest among the groups gnomAD compares: Admixed American, 0.0034%; no homozygotes.

Submission:

Labcorp Genetics (formerly Invitae), Labcorp
Classification: Likely pathogenic for Dyskeratosis congenita, autosomal recessive 5; Pulmonary fibrosis and/or bone marrow failure, Telomere-related, 3. Last evaluated: 2024-10-24. Review status: criteria provided, single submitter. Criteria: Invitae Variant Classification Sherloc (09022015). Collection method: clinical testing. Allele origin: germline.
Comment: This sequence change affects a donor splice site in intron 15 of the RTEL1 gene. It is expected to disrupt RNA splicing. Variants that disrupt the donor or acceptor splice site typically lead to a loss of protein function (PMID: 16199547), and loss-of-function variants in RTEL1 are known to be pathogenic (PMID: 23453664, 23959892, 25607374). This variant is present in population databases (no rsID available, gnomAD 0.006%). This variant has not been reported in the literature in individuals affected with RTEL1-related conditions. ClinVar contains an entry for this variant (Variation ID: 1066945). Algorithms developed to predict the effect of sequence changes on RNA splicing suggest that this variant may disrupt the consensus splice site. In summary, the currently available evidence indicates that the variant is pathogenic, but additional data are needed to prove that conclusively. Therefore, this variant has been classified as Likely Pathogenic.

Literature cited by the submitters: PubMed 16199547; PubMed 23453664; PubMed 23959892; PubMed 25607374.